The following is an entry in ClinVar:

ClinVar aggregate classification (germline): Uncertain significance (1 of 4 stars; one submission).

Submission:

Labcorp Genetics (formerly Invitae), Labcorp
Classification: Uncertain significance. Last evaluated: 2024-02-24. Review status: criteria provided, single submitter. Criteria: Invitae Variant Classification Sherloc (09022015). Collection method: clinical testing. Allele origin: germline.
Comment: This sequence change replaces glutamic acid, which is acidic and polar, with lysine, which is basic and polar, at codon 1098 of the LAMB1 protein (p.Glu1098Lys). This variant is not present in population databases (gnomAD no frequency). This variant has not been reported in the literature in individuals affected with LAMB1-related conditions. ClinVar contains an entry for this variant (Variation ID: 2100169). An algorithm developed to predict the effect of missense changes on protein structure and function (PolyPhen-2) suggests that this variant is likely to be disruptive. In summary, the available evidence is currently insufficient to determine the role of this variant in disease. Therefore, it has been classified as a Variant of Uncertain Significance.

NM_002291.3(LAMB1):c.3292G>A (p.Glu1098Lys)

Gene: LAMB1 (laminin subunit beta 1; minus strand). Cytogenetic location: 7q31.1.
Variant type: single nucleotide variant.
Coding change: c.3292G>A on transcript NM_002291.3 (MANE Select); coding-DNA position 3292, G replaced by A.
Protein change: p.Glu1098Lys; replaces glutamic acid 1098 with lysine.
Molecular consequence: missense variant.
Genome position (GRCh38, 1-based): chr7:107,952,011, C>T on the plus strand (G>A on the coding strand, the complement: LAMB1 is on the minus strand). VCF-style: chr7-107952011-C-T. GRCh37 (hg19) VCF-style: chr7-107592456-C-T.
Other names: short protein forms E1098K.
Identifiers: ClinVar variation 2100169 (VCV002100169.4), dbSNP rs1584500428, ClinGen allele CA368862140.